The following is an entry in ClinVar:

ClinVar aggregate classification (germline): Pathogenic (1 of 4 stars; one submission).

Submission:

Labcorp Genetics (formerly Invitae), Labcorp
Classification: Pathogenic. Last evaluated: 2023-11-15. Review status: criteria provided, single submitter. Criteria: Invitae Variant Classification Sherloc (09022015). Collection method: clinical testing. Allele origin: germline.
Comment: This sequence change creates a premature translational stop signal (p.Arg465Serfs*72) in the OCA2 gene. It is expected to result in an absent or disrupted protein product. Loss-of-function variants in OCA2 are known to be pathogenic (PMID: 19865097, 21541274). This variant is not present in population databases (gnomAD no frequency). This variant has not been reported in the literature in individuals affected with OCA2-related conditions. For these reasons, this variant has been classified as Pathogenic.

Literature cited by the submitters: PubMed 19865097; PubMed 21541274.

NM_000275.3(OCA2):c.1395_1399del (p.Arg465fs)

Gene: OCA2 (OCA2 melanosomal transmembrane protein; minus strand). Cytogenetic location: 15q13.1.
Variant type: Deletion.
Coding change: c.1395_1399del on transcript NM_000275.3 (MANE Select); coding-DNA positions 1395 to 1399, 5 bases deleted (ACAAG; older notation c.1395_1399delACAAG).
Protein change: p.Arg465fs; shifts the reading frame from arginine 465.
Molecular consequence: frameshift variant.
Genome position (GRCh38, 1-based): chr15:27,983,449-27,983,453, CTTGT deleted on the plus strand (ACAAG on the coding strand, the reverse complement: OCA2 is on the minus strand); deleting any 5 consecutive bases within chr15:27,983,449-27,983,457 gives the same sequence; the c. name uses the placement nearest the transcript's 3' end. VCF-style (leftmost placement, unchanged base first): chr15-27983448-ACTTGT-A. GRCh37 (hg19) VCF-style: chr15-28228594-ACTTGT-A.
Other names: c.1323_1327del, p.Arg441fs (NM_001300984.2); short protein forms R465fs, R441fs.
Identifiers: ClinVar variation 2819186 (VCV002819186.3), dbSNP rs2548339389, ClinGen allele CA2739277913.